The following is an entry in ClinVar:

ClinVar aggregate classification (germline): Benign (1 of 4 stars; one submission).

Conditions:
Lynch syndrome 5 (LYNCH5). Also called: Colorectal cancer, hereditary nonpolyposis, type 5; Hereditary non-polyposis colorectal cancer, type 5. Identifiers: Orphanet 144, MedGen C1833477, MONDO:0013710, OMIM 614350. Disease mechanism: loss of function.

Submission:

Myriad Genetics, Inc.
Classification: Benign for Lynch syndrome 5. Last evaluated: 2024-12-17. Review status: criteria provided, single submitter. Criteria: Myriad Autosomal Dominant, Autosomal Recessive and X-Linked Classification Criteria (2023). Collection method: clinical testing. Allele origin: unknown.
Comment: This variant is considered benign. This variant is a silent/synonymous amino acid change and it is not expected to impact splicing.

NM_000179.3(MSH6):c.117G>T (p.Gly39=)

Gene: MSH6 (mutS homolog 6; plus strand). Cytogenetic location: 2p16.3.
Variant type: single nucleotide variant.
Coding change: c.117G>T on transcript NM_000179.3 (MANE Select); coding-DNA position 117, G replaced by T.
Protein change: p.Gly39=; no amino-acid change (glycine 39 retained).
Molecular consequence: synonymous variant. On other transcripts: 5 prime UTR variant (7), missense variant (1), non-coding transcript variant (5), intron variant (5).
Genome position (GRCh38, 1-based): chr2:47,783,350, G>T. VCF-style: chr2-47783350-G-T. GRCh37 (hg19) VCF-style: chr2-48010489-G-T.
Other names: c.117G>T, p.Gly39= (NM_001281492.2, NM_001406795.1, NM_001406796.1 and 9 more transcripts); c.-620G>T (NM_001281493.2, NM_001406811.1); c.-212G>T (NM_001406799.1); c.62G>T, p.Gly21Val (NM_001406804.1); c.-812G>T (NM_001406807.1); c.-467G>T (NM_001406812.1); c.-878G>T (NM_001406814.1); c.-423G>T (NM_001406816.1); and 3 more; short protein forms G21V.
Identifiers: ClinVar variation 3904198 (VCV003904198.1).